The following is an entry in ClinVar:

ClinVar aggregate classification (germline): Pathogenic. Review status: criteria provided, multiple submitters, no conflicts (2 of 4 stars). 3 submissions from 3 submitters: Pathogenic (3). Last evaluated 2023-11-04.

Conditions:
Usher syndrome type 2A. Also called: RETINAL DISEASE IN USHER SYNDROME TYPE IIA, MODIFIER OF; USHER SYNDROME, TYPE IIA. Identifiers: Orphanet 231178, Orphanet 886, MedGen C1848634, MONDO:0010169, OMIM 276901.

Submissions (3):

Genome-Nilou Lab
Classification: Pathogenic for Usher syndrome type 2A. Last evaluated: 2023-11-04. Review status: criteria provided, single submitter. Criteria: ACMG Guidelines, 2015. Collection method: clinical testing. Allele origin: germline. Affected: no.

Labcorp Genetics (formerly Invitae), Labcorp
Classification: Pathogenic. Last evaluated: 2023-10-03. Review status: criteria provided, single submitter. Criteria: Invitae Variant Classification Sherloc (09022015). Collection method: clinical testing. Allele origin: germline.
Comment: This sequence change creates a premature translational stop signal (p.Gln1786*) in the USH2A gene. It is expected to result in an absent or disrupted protein product. Loss-of-function variants in USH2A are known to be pathogenic (PMID: 10729113, 10909849, 20507924, 25649381). This variant is not present in population databases (gnomAD no frequency). This premature translational stop signal has been observed in individual(s) with Usher syndrome (PMID: 24944099). ClinVar contains an entry for this variant (Variation ID: 1378663). For these reasons, this variant has been classified as Pathogenic.

Laboratorio de Genetica e Diagnostico Molecular, Hospital Israelita Albert Einstein
Classification: Pathogenic for Usher syndrome type 2A. Last evaluated: 2022-05-27. Review status: criteria provided, single submitter. Criteria: ACMG Guidelines, 2015. Collection method: clinical testing. Allele origin: germline. Affected: yes. Observed: 1 variant allele.
Comment: ACMG classification criteria: PVS1 very strong, PM2 moderated, PM3 supporting

Literature cited by the submitters: PubMed 10729113 (cited by Labcorp Genetics (formerly Invitae), Labcorp); PubMed 10909849 (cited by Labcorp Genetics (formerly Invitae), Labcorp); PubMed 20507924 (cited by Labcorp Genetics (formerly Invitae), Labcorp); PubMed 25649381 (cited by Labcorp Genetics (formerly Invitae), Labcorp); PubMed 24944099 (cited by Labcorp Genetics (formerly Invitae), Labcorp).

NM_206933.4(USH2A):c.5356C>T (p.Gln1786Ter)

Genes: USH2A (usherin; minus strand), USH2A-AS2 (USH2A antisense RNA 2; plus strand). Cytogenetic location: 1q41.
Variant type: single nucleotide variant.
Coding change: c.5356C>T on transcript NM_206933.4 (MANE Select); coding-DNA position 5356, C replaced by T.
Protein change: p.Gln1786Ter; replaces glutamine 1786 with a stop codon.
Molecular consequence: nonsense.
Genome position (GRCh38, 1-based): chr1:216,078,305, G>A on the plus strand (C>T on the coding strand, the complement: USH2A is on the minus strand). VCF-style: chr1-216078305-G-A. GRCh37 (hg19) VCF-style: chr1-216251647-G-A.
Other names: short protein forms Q1786*.
Identifiers: ClinVar variation 1378663 (VCV001378663.8), dbSNP rs2102554503, ClinGen allele CA344856523.